The following is an entry in ClinVar:

ClinVar aggregate classification (germline): Uncertain significance. Review status: criteria provided, multiple submitters, no conflicts (2 of 4 stars). 4 submissions from 4 submitters: Uncertain significance (4). Last evaluated 2025-08-25.

Conditions:
UMOD-related disorder. Also called: UMOD-related condition.
Inborn genetic diseases. Identifiers: MedGen C0950123, MeSH D030342.
Familial juvenile hyperuricemic nephropathy type 1 (ADTKD1). Also called: UMOD-Associated Kidney Disease; Uromodulin-associated kidney disease; Glomerulocystic kidney disease with hyperuricemia and isosthenuria; Medullary cystic kidney disease 2; Autosomal Dominant Tubulointerstitial Kidney Disease – UMOD. Identifiers: Orphanet 209886, Orphanet 34149, Orphanet 88950, MedGen C4551496, MONDO:0008073, OMIM 162000.

Allele frequency attached by ClinVar (database versions not stated): gnomAD exomes below 0.00001; TOPMed below 0.00001.
gnomAD v4.1: 1 of 1,614,018 alleles (0.000062%); highest among the groups gnomAD compares: Admixed American, 0.0017%; no homozygotes.

Submissions (4):

Ambry Genetics
Classification: Uncertain significance for Inborn genetic diseases. Last evaluated: 2025-08-25. Review status: criteria provided, single submitter. Criteria: Ambry Variant Classification Scheme 2023. Collection method: clinical testing. Allele origin: germline.

PreventionGenetics, part of Exact Sciences
Classification: Uncertain significance for UMOD-related condition. Last evaluated: 2024-12-03. Review status: criteria provided, single submitter. Criteria: ACMG Guidelines, 2015. Collection method: clinical testing. Allele origin: germline.
Comment: The UMOD c.1364T>G variant is predicted to result in the amino acid substitution p.Met455Arg. To our knowledge, this variant has not been reported in the literature or in a large population database (gnomAD), indicating this variant is rare. At this time, the clinical significance of this variant is uncertain due to the absence of conclusive functional and genetic evidence.

Fulgent Genetics
Classification: Uncertain significance for Familial juvenile hyperuricemic nephropathy type 1. Last evaluated: 2024-05-24. Review status: criteria provided, single submitter. Criteria: ACMG Guidelines, 2015. Collection method: clinical testing. Allele origin: germline.

Labcorp Genetics (formerly Invitae), Labcorp
Classification: Uncertain significance. Last evaluated: 2023-05-20. Review status: criteria provided, single submitter. Criteria: Invitae Variant Classification Sherloc (09022015). Collection method: clinical testing. Allele origin: germline.
Comment: This sequence change replaces methionine, which is neutral and non-polar, with arginine, which is basic and polar, at codon 455 of the UMOD protein (p.Met455Arg). This variant is not present in population databases (gnomAD no frequency). This variant has not been reported in the literature in individuals affected with UMOD-related conditions. Advanced modeling of protein sequence and biophysical properties (such as structural, functional, and spatial information, amino acid conservation, physicochemical variation, residue mobility, and thermodynamic stability) performed at Invitae indicates that this missense variant is not expected to disrupt UMOD protein function. In summary, the available evidence is currently insufficient to determine the role of this variant in disease. Therefore, it has been classified as a Variant of Uncertain Significance.

NM_003361.4(UMOD):c.1364T>G (p.Met455Arg)

Gene: UMOD (uromodulin; minus strand). Cytogenetic location: 16p12.3.
Variant type: single nucleotide variant.
Coding change: c.1364T>G on transcript NM_003361.4 (MANE Select); coding-DNA position 1364, T replaced by G.
Protein change: p.Met455Arg; replaces methionine 455 with arginine.
Molecular consequence: missense variant. On other transcripts: non-coding transcript variant (1).
Genome position (GRCh38, 1-based): chr16:20,341,304, A>C on the plus strand (T>G on the coding strand, the complement: UMOD is on the minus strand). VCF-style: chr16-20341304-A-C. GRCh37 (hg19) VCF-style: chr16-20352626-A-C.
Other names: c.1364T>G, p.Met455Arg (NM_001008389.3, NM_001378232.1, NM_001378233.1); c.1463T>G, p.Met488Arg (NM_001278614.2); c.1505T>G, p.Met502Arg (NM_001378234.1, NM_001378235.1); c.1364T>G (NM_003361.3, NM_003361.2); short protein forms M502R, M488R, M455R.
Identifiers: ClinVar variation 2967673 (VCV002967673.6), dbSNP rs1965203468, ClinGen allele CA394982582.